The following is an entry in ClinVar:

ClinVar aggregate classification (germline): Conflicting classifications of pathogenicity. Review status: criteria provided, conflicting classifications (1 of 4 stars). 5 submissions from 5 submitters: Uncertain significance (1); Benign (1); Likely benign (3). Last evaluated 2026-01-20.

Conditions:
SCN1A-related disorder. Also called: SCN1A-related conditions; SCN1A-related condition; SCN1A-related disorders.
Early-infantile DEE. Also called: Ohtahara syndrome; Early infantile epileptic encephalopathy with suppression bursts; Early infantile epileptic encephalopathy. Identifiers: Orphanet 1934, MedGen C0393706, MONDO:0800491.
Inborn genetic diseases. Identifiers: MedGen C0950123, MeSH D030342.

Allele frequency attached by ClinVar (database versions not stated): ExAC 0.00004; gnomAD exomes 0.00004; gnomAD 0.00015 and 0.00016; 1000 Genomes Project 30x 0.00016; 1000 Genomes Project 0.00020; TOPMed 0.00021; ESP Exome Variant Server 0.00031.
gnomAD v4.1: 53 of 1,614,156 alleles (0.0033%); highest among the groups gnomAD compares: African/African-American, 0.065%; no homozygotes.

Submissions (5):

Labcorp Genetics (formerly Invitae), Labcorp
Classification: Likely benign for Early-infantile DEE. Last evaluated: 2026-01-20. Review status: criteria provided, single submitter. Criteria: Invitae Variant Classification Sherloc (09022015). Collection method: clinical testing. Allele origin: germline.

PreventionGenetics, part of Exact Sciences
Classification: Likely benign for SCN1A-related condition. Last evaluated: 2024-10-13. Review status: criteria provided, single submitter. Criteria: ACMG Guidelines, 2015. Collection method: clinical testing. Allele origin: germline.
Comment: This variant is classified as likely benign based on ACMG/AMP sequence variant interpretation guidelines (Richards et al. 2015 PMID: 25741868, with internal and published modifications).

Ambry Genetics
Classification: Likely benign for Inborn genetic diseases. Last evaluated: 2017-02-15. Review status: criteria provided, single submitter. Criteria: Ambry Variant Classification Scheme 2023. Collection method: clinical testing. Allele origin: germline.

Eurofins Ntd Llc (ga)
Classification: Uncertain significance. Last evaluated: 2017-01-24. Review status: criteria provided, single submitter. Criteria: EGL Classification Definitions 2015. Collection method: clinical testing. Allele origin: germline. Observed: 1 variant allele, 1 heterozygote.

GeneDx
Classification: Benign. Last evaluated: 2015-03-03. Review status: criteria provided, single submitter. Criteria: GeneDx Variant Classification Process June 2021. Collection method: clinical testing. Allele origin: germline. Affected: yes.

NM_001165963.4(SCN1A):c.1797G>A (p.Glu599=)

Gene: SCN1A (sodium voltage-gated channel alpha subunit 1; minus strand). Cytogenetic location: 2q24.3.
Variant type: single nucleotide variant.
Coding change: c.1797G>A on transcript NM_001165963.4 (MANE Select); coding-DNA position 1797, G replaced by A.
Protein change: p.Glu599=; no amino-acid change (glutamic acid 599 retained).
Molecular consequence: synonymous variant. On other transcripts: 5 prime UTR variant (1), non-coding transcript variant (1).
Genome position (GRCh38, 1-based): chr2:166,043,915, C>T on the plus strand (G>A on the coding strand, the complement: SCN1A is on the minus strand). VCF-style: chr2-166043915-C-T. GRCh37 (hg19) VCF-style: chr2-166900425-C-T.
Other names: c.1797G>A (NM_001202435.1); c.1797G>A, p.Glu599= (NM_001165964.3, NM_001202435.3, NM_001353948.2 and 7 more transcripts); c.1794G>A, p.Glu598= (NM_001353954.2, NM_001353955.2, NM_001353960.2); c.-629G>A (NM_001353961.2).
Identifiers: ClinVar variation 499926 (VCV000499926.26), dbSNP rs145035963, ClinGen allele CA1943247.